The following is an entry in ClinVar:

ClinVar aggregate classification (germline): Uncertain significance (1 of 4 stars; one submission).

Conditions:
Hypertrophic cardiomyopathy 26. Also called: Cardiomyopathy, familial hypertrophic, 26. Identifiers: Orphanet 75249, MedGen C4310749, MONDO:0014883, OMIM 617047.
Myofibrillar myopathy 5. Also called: FILAMINOPATHY, AUTOSOMAL DOMINANT; Filaminopathy (type). Identifiers: Orphanet 171445, MedGen C1836050, MONDO:0012289, OMIM 609524.
Distal myopathy with posterior leg and anterior hand involvement. Also called: WILLIAMS DISTAL MYOPATHY. Identifiers: Orphanet 63273, MedGen C3279722, MONDO:0013550, OMIM 614065.

Submission:

Labcorp Genetics (formerly Invitae), Labcorp
Classification: Uncertain significance for Distal myopathy with posterior leg and anterior hand involvement; Myofibrillar myopathy 5; Hypertrophic cardiomyopathy 26. Last evaluated: 2024-11-24. Review status: criteria provided, single submitter. Criteria: Invitae Variant Classification Sherloc (09022015). Collection method: clinical testing. Allele origin: germline.
Comment: This sequence change replaces proline, which is neutral and non-polar, with leucine, which is neutral and non-polar, at codon 2725 of the FLNC protein (p.Pro2725Leu). This variant is not present in population databases (gnomAD no frequency). This missense change has been observed in individual(s) with hypertrophic cardiomyopathy (PMID: 37466024). ClinVar contains an entry for this variant (Variation ID: 1405385). Invitae Evidence Modeling of protein sequence and biophysical properties (such as structural, functional, and spatial information, amino acid conservation, physicochemical variation, residue mobility, and thermodynamic stability) indicates that this missense variant is not expected to disrupt FLNC protein function with a negative predictive value of 95%. In summary, the available evidence is currently insufficient to determine the role of this variant in disease. Therefore, it has been classified as a Variant of Uncertain Significance.

Literature cited by the submitters: PubMed 37466024.

NM_001458.5(FLNC):c.8174C>T (p.Pro2725Leu)

Genes: FLNC-AS1 (FLNC antisense RNA 1; minus strand), FLNC (filamin C; plus strand). Cytogenetic location: 7q32.1.
Variant type: single nucleotide variant.
Coding change: c.8174C>T on transcript NM_001458.5 (MANE Select); coding-DNA position 8174, C replaced by T.
Protein change: p.Pro2725Leu; replaces proline 2725 with leucine.
Molecular consequence: missense variant.
Genome position (GRCh38, 1-based): chr7:128,858,519, C>T. VCF-style: chr7-128858519-C-T. GRCh37 (hg19) VCF-style: chr7-128498573-C-T.
Other names: c.8075C>T, p.Pro2692Leu (NM_001127487.2); short protein forms P2692L, P2725L.
Identifiers: ClinVar variation 1405385 (VCV001405385.5), dbSNP rs2128940731, ClinGen allele CA369222275.